The following is an entry in ClinVar:

NM_021098.3(CACNA1H):c.1973AGA[1] (p.Lys659del)

Gene: CACNA1H (calcium voltage-gated channel subunit alpha1 H; plus strand). Cytogenetic location: 16p13.3.
Variant type: Microsatellite.
Coding change: c.1973AGA[1] on transcript NM_021098.3 (MANE Select); one copy of the 3-base unit AGA starting at c.1973; the reference has two copies in a row; one copy, 3 bases deleted.
Protein change: p.Lys659del; deletes lysine 659.
Molecular consequence: inframe deletion.
Genome position (GRCh38, 1-based): chr16:1,202,426-1,202,428, AGA deleted; deleting any 3 consecutive bases within chr16:1,202,423-1,202,428 gives the same sequence; the position shown is the placement nearest the transcript's 3' end. VCF-style (leftmost placement, unchanged base first): chr16-1202422-GAGA-G. GRCh37 (hg19) VCF-style: chr16-1252422-GAGA-G.
Other names: c.1973AGA[1], p.Lys659del (NM_001005407.2); short protein forms K659del.
Identifiers: ClinVar variation 995336 (VCV000995336.5), dbSNP rs753052647, ClinGen allele CA7800061.

ClinVar aggregate classification (germline): Uncertain significance. Review status: criteria provided, multiple submitters, no conflicts (2 of 4 stars). 2 submissions from 2 submitters: Uncertain significance (2). Last evaluated 2024-01-25.

Conditions:
Idiopathic generalized epilepsy. Also called: Generalised epilepsy; EIG. Identifiers: MedGen C0270850, MONDO:0005579, OMIM 600669.
Hyperaldosteronism, familial, type IV (HALD4). Also called: FH IV; ALDOSTERONISM, PRIMARY, AND HYPERTENSION. Identifiers: Orphanet 642671, MedGen C4310756, MONDO:0014875, OMIM 617027.

Submissions (2):

Labcorp Genetics (formerly Invitae), Labcorp
Classification: Uncertain significance for Idiopathic generalized epilepsy; Hyperaldosteronism, familial, type IV. Last evaluated: 2024-01-25. Review status: criteria provided, single submitter. Criteria: Invitae Variant Classification Sherloc (09022015). Collection method: clinical testing. Allele origin: germline.
Comment: This variant, c.1976_1978del, results in the deletion of 1 amino acid(s) of the CACNA1H protein (p.Lys659del), but otherwise preserves the integrity of the reading frame. This variant is present in population databases (rs753052647, gnomAD 0.03%). This variant has not been reported in the literature in individuals affected with CACNA1H-related conditions. ClinVar contains an entry for this variant (Variation ID: 995336). Experimental studies and prediction algorithms are not available or were not evaluated, and the functional significance of this variant is currently unknown. In summary, the available evidence is currently insufficient to determine the role of this variant in disease. Therefore, it has been classified as a Variant of Uncertain Significance.

Athena Diagnostics
Classification: Uncertain significance. Last evaluated: 2021-02-23. Review status: criteria provided, single submitter. Criteria: Athena Diagnostics criteria. Collection method: clinical testing. Allele origin: unknown.